The following is an entry in ClinVar:

ClinVar aggregate classification (germline): Uncertain significance (1 of 4 stars; one submission).

Submission:

Labcorp Genetics (formerly Invitae), Labcorp
Classification: Uncertain significance. Last evaluated: 2026-01-20. Review status: criteria provided, single submitter. Criteria: Invitae Variant Classification Sherloc (09022015). Collection method: clinical testing. Allele origin: germline.
Comment: This variant, c.1706_1708del, results in the deletion of 1 amino acid(s) of the ABCG8 protein (p.Ser569del), but otherwise preserves the integrity of the reading frame. The frequency data for this variant in the population databases is considered unreliable, as metrics indicate poor data quality at this position in the gnomAD database. This variant has not been reported in the literature in individuals affected with ABCG8-related conditions. Experimental studies and prediction algorithms are not available or were not evaluated, and the functional significance of this variant is currently unknown. In summary, the available evidence is currently insufficient to determine the role of this variant in disease. Therefore, it has been classified as a Variant of Uncertain Significance.

NM_022437.3(ABCG8):c.1706_1708del (p.Ser569del)

Gene: ABCG8 (ATP binding cassette subfamily G member 8; plus strand). Cytogenetic location: 2p21.
Variant type: Deletion.
Coding change: c.1706_1708del on transcript NM_022437.3 (MANE Select); coding-DNA positions 1706 to 1708, 3 bases deleted (CCT; older notation c.1706_1708delCCT).
Protein change: p.Ser569del; deletes serine 569.
Molecular consequence: inframe deletion.
Genome position (GRCh38, 1-based): chr2:43,875,363-43,875,365, CCT deleted; deleting any 3 consecutive bases within chr2:43,875,361-43,875,365 gives the same sequence; the c. name uses the placement nearest the transcript's 3' end. VCF-style (leftmost placement, unchanged base first): chr2-43875360-ACTC-A. GRCh37 (hg19) VCF-style: chr2-44102499-ACTC-A.
Other names: c.1703_1705del, p.Ser568del (NM_001357321.2); short protein forms S569del, S568del.
Identifiers: ClinVar variation 4739130 (VCV004739130.1).